The following is an entry in ClinVar:

ClinVar aggregate classification (germline): Uncertain significance (1 of 4 stars; one submission).

Submission:

GeneDx
Classification: Uncertain significance. Last evaluated: 2023-05-09. Review status: criteria provided, single submitter. Criteria: GeneDx Variant Classification Process June 2021. Collection method: clinical testing. Allele origin: germline. Affected: yes.
Comment: Has not been previously published as pathogenic or benign to our knowledge; In silico analysis supports that this missense variant has a deleterious effect on protein structure/function; In silico analysis suggests this variant may impact gene splicing. In the absence of RNA/functional studies, the actual effect of this sequence change is unknown

NM_022552.5(DNMT3A):c.2114T>G (p.Ile705Ser)

Gene: DNMT3A (DNA methyltransferase 3 alpha; minus strand). Cytogenetic location: 2p23.3.
Variant type: single nucleotide variant.
Coding change: c.2114T>G on transcript NM_022552.5 (MANE Select); coding-DNA position 2114, T replaced by G.
Protein change: p.Ile705Ser; replaces isoleucine 705 with serine.
Molecular consequence: missense variant. On other transcripts: non-coding transcript variant (1).
Genome position (GRCh38, 1-based): chr2:25,240,699, A>C on the plus strand (T>G on the coding strand, the complement: DNMT3A is on the minus strand). VCF-style: chr2-25240699-A-C. GRCh37 (hg19) VCF-style: chr2-25463568-A-C.
Other names: c.1658T>G, p.Ile553Ser (NM_001320893.1); c.1445T>G, p.Ile482Ser (NM_001375819.1); c.1547T>G, p.Ile516Ser (NM_153759.3); c.2114T>G, p.Ile705Ser (NM_175629.2); short protein forms I482S, I516S, I553S, I705S.
Identifiers: ClinVar variation 2663162 (VCV002663162.1), dbSNP rs777037011, ClinGen allele CA346070713.